The following is an entry in ClinVar:

ClinVar aggregate classification (germline): Uncertain significance (1 of 4 stars; one submission).

Allele frequency attached by ClinVar (database versions not stated): gnomAD exomes below 0.00001; ExAC 0.00001.
gnomAD v4.1: 2 of 1,608,628 alleles (0.00012%); highest among the groups gnomAD compares: South Asian, 0.0011%; no homozygotes.

Submission:

Labcorp Genetics (formerly Invitae), Labcorp
Classification: Uncertain significance. Last evaluated: 2025-03-25. Review status: criteria provided, single submitter. Criteria: Invitae Variant Classification Sherloc (09022015). Collection method: clinical testing. Allele origin: germline.
Comment: This sequence change replaces methionine, which is neutral and non-polar, with threonine, which is neutral and polar, at codon 225 of the CWC27 protein (p.Met225Thr). This variant is present in population databases (rs776523899, gnomAD 0.003%). This variant has not been reported in the literature in individuals affected with CWC27-related conditions. ClinVar contains an entry for this variant (Variation ID: 1443258). An algorithm developed to predict the effect of missense changes on protein structure and function (PolyPhen-2) suggests that this variant is likely to be tolerated. In summary, the available evidence is currently insufficient to determine the role of this variant in disease. Therefore, it has been classified as a Variant of Uncertain Significance.

NM_005869.4(CWC27):c.674T>C (p.Met225Thr)

Gene: CWC27 (CWC27 spliceosome associated cyclophilin; plus strand). Cytogenetic location: 5q12.3.
Variant type: single nucleotide variant.
Coding change: c.674T>C on transcript NM_005869.4 (MANE Select); coding-DNA position 674, T replaced by C.
Protein change: p.Met225Thr; replaces methionine 225 with threonine.
Molecular consequence: missense variant.
Genome position (GRCh38, 1-based): chr5:64,800,252, T>C. VCF-style: chr5-64800252-T-C. GRCh37 (hg19) VCF-style: chr5-64096079-T-C.
Other names: c.674T>C, p.Met225Thr (NM_001297644.1, NM_001297645.2, NM_001318000.2 and 1 more transcripts); short protein forms M225T.
Identifiers: ClinVar variation 1443258 (VCV001443258.8), dbSNP rs776523899, ClinGen allele CA3282054.